The following is an entry in ClinVar:

NM_014908.4(DOLK):c.1342G>C (p.Gly448Arg)

Gene: DOLK (dolichol kinase; minus strand). Cytogenetic location: 9q34.11.
Variant type: single nucleotide variant.
Coding change: c.1342G>C on transcript NM_014908.4 (MANE Select); coding-DNA position 1342, G replaced by C.
Protein change: p.Gly448Arg; replaces glycine 448 with arginine.
Molecular consequence: missense variant.
Genome position (GRCh38, 1-based): chr9:128,945,962, C>G on the plus strand (G>C on the coding strand, the complement: DOLK is on the minus strand). VCF-style: chr9-128945962-C-G. GRCh37 (hg19) VCF-style: chr9-131708241-C-G.
Other names: short protein forms G448R.
Identifiers: ClinVar variation 2999843 (VCV002999843.3), dbSNP rs760691868, ClinGen allele CA5271582.
Genomic context (GRCh38, chr9:128,945,962, plus strand): 5'-CAGGCCAGCGGATCTCCCCCATGGTGCTACCGAAGATGGAGGCCACAGTATCACCCACAC[C>G]CACAGCCAGGACACCGGCATAGGGGACGAGGGCCCTGGCTCCTCCCAGGCTACCCTTCTG-3'
Protein context (NP_055723.1, residues 438-458): LVPYAGVLAV[Gly448Arg]VGDTVASIFG

ClinVar aggregate classification (germline): Pathogenic (1 of 4 stars; one submission).

Conditions:
DK1-congenital disorder of glycosylation. Also called: CONGENITAL DISORDER OF GLYCOSYLATION, TYPE Im; DK1-CDG; DOLK-congenital disorder of glycosylation; Carbohydrate deficient glycoprotein syndrome type 1m; CDG Im; DK1 DEFICIENCY. Identifiers: Orphanet 91131, MedGen C1835849, MONDO:0012556, OMIM 610768.

Allele frequency attached by ClinVar (database versions not stated): gnomAD exomes below 0.00001; TOPMed below 0.00001; ExAC 0.00001.

Submission:

Labcorp Genetics (formerly Invitae), Labcorp
Classification: Pathogenic for DK1-congenital disorder of glycosylation. Last evaluated: 2025-03-25. Review status: criteria provided, single submitter. Criteria: Invitae Variant Classification Sherloc (09022015). Collection method: clinical testing. Allele origin: germline.
Comment: This sequence change replaces glycine, which is neutral and non-polar, with arginine, which is basic and polar, at codon 448 of the DOLK protein (p.Gly448Arg). This variant is present in population databases (rs760691868, gnomAD 0.0009%). This missense change has been observed in individual(s) with congenital disorder of glycosylation (PMID: 34956305). In at least one individual the data is consistent with being in trans (on the opposite chromosome) from a pathogenic variant. It has also been observed to segregate with disease in related individuals. ClinVar contains an entry for this variant (Variation ID: 2999843). Invitae Evidence Modeling of protein sequence and biophysical properties (such as structural, functional, and spatial information, amino acid conservation, physicochemical variation, residue mobility, and thermodynamic stability) indicates that this missense variant is expected to disrupt DOLK protein function with a positive predictive value of 80%. For these reasons, this variant has been classified as Pathogenic.

Literature cited by the submitters: PubMed 34956305.